The following is an entry in ClinVar:

NM_001458.5(FLNC):c.3143C>T (p.Pro1048Leu)

Gene: FLNC (filamin C; plus strand). Cytogenetic location: 7q32.1.
Variant type: single nucleotide variant.
Coding change: c.3143C>T on transcript NM_001458.5 (MANE Select); coding-DNA position 3143, C replaced by T.
Protein change: p.Pro1048Leu; replaces proline 1048 with leucine.
Molecular consequence: missense variant.
Genome position (GRCh38, 1-based): chr7:128,844,217, C>T. VCF-style: chr7-128844217-C-T. GRCh37 (hg19) VCF-style: chr7-128484271-C-T.
Other names: c.3143C>T, p.Pro1048Leu (NM_001127487.2); short protein forms P1048L.
Identifiers: ClinVar variation 1410597 (VCV001410597.8), dbSNP rs2128936216, ClinGen allele CA369194552.

ClinVar aggregate classification (germline): Uncertain significance (1 of 4 stars; one submission).

Conditions:
Distal myopathy with posterior leg and anterior hand involvement. Also called: WILLIAMS DISTAL MYOPATHY. Identifiers: Orphanet 63273, MedGen C3279722, MONDO:0013550, OMIM 614065.
Hypertrophic cardiomyopathy 26. Also called: Cardiomyopathy, familial hypertrophic, 26. Identifiers: Orphanet 75249, MedGen C4310749, MONDO:0014883, OMIM 617047.
Myofibrillar myopathy 5. Also called: Filaminopathy (type); FILAMINOPATHY, AUTOSOMAL DOMINANT. Identifiers: Orphanet 171445, MedGen C1836050, MONDO:0012289, OMIM 609524.

Submission:

Labcorp Genetics (formerly Invitae), Labcorp
Classification: Uncertain significance for Distal myopathy with posterior leg and anterior hand involvement; Myofibrillar myopathy 5; Hypertrophic cardiomyopathy 26. Last evaluated: 2020-11-07. Review status: criteria provided, single submitter. Criteria: Invitae Variant Classification Sherloc (09022015). Collection method: clinical testing. Allele origin: germline.
Comment: In summary, the available evidence is currently insufficient to determine the role of this variant in disease. Therefore, it has been classified as a Variant of Uncertain Significance. Algorithms developed to predict the effect of missense changes on protein structure and function (SIFT, PolyPhen-2, Align-GVGD) all suggest that this variant is likely to be tolerated, but these predictions have not been confirmed by published functional studies and their clinical significance is uncertain. This variant has not been reported in the literature in individuals with FLNC-related conditions. This variant is not present in population databases (ExAC no frequency). This sequence change replaces proline with leucine at codon 1048 of the FLNC protein (p.Pro1048Leu). The proline residue is moderately conserved and there is a moderate physicochemical difference between proline and leucine.